The following is an entry in ClinVar:

ClinVar aggregate classification (germline): Uncertain significance (1 of 4 stars; one submission).

Submission:

Labcorp Genetics (formerly Invitae), Labcorp
Classification: Uncertain significance. Last evaluated: 2021-10-21. Review status: criteria provided, single submitter. Criteria: Invitae Variant Classification Sherloc (09022015). Collection method: clinical testing. Allele origin: germline.
Comment: This variant has not been reported in the literature in individuals affected with TUB-related conditions. Algorithms developed to predict the effect of missense changes on protein structure and function output the following: SIFT: "Tolerated"; PolyPhen-2: "Benign"; Align-GVGD: "Class C0". The alanine amino acid residue is found in multiple mammalian species, which suggests that this missense change does not adversely affect protein function. In summary, the available evidence is currently insufficient to determine the role of this variant in disease. Therefore, it has been classified as a Variant of Uncertain Significance. This variant is not present in population databases (ExAC no frequency). This sequence change replaces threonine with alanine at codon 293 of the TUB protein (p.Thr293Ala). The threonine residue is moderately conserved and there is a small physicochemical difference between threonine and alanine.

NM_177972.3(TUB):c.712A>G (p.Thr238Ala)

Genes: TUB (TUB bipartite transcription factor; plus strand), RIC3 (RIC3 acetylcholine receptor chaperone; minus strand). Cytogenetic location: 11p15.4.
Variant type: single nucleotide variant.
Coding change: c.712A>G on transcript NM_177972.3 (MANE Select); coding-DNA position 712, A replaced by G.
Protein change: p.Thr238Ala; replaces threonine 238 with alanine.
Molecular consequence: missense variant.
Genome position (GRCh38, 1-based): chr11:8,097,252, A>G. VCF-style: chr11-8097252-A-G. GRCh37 (hg19) VCF-style: chr11-8118799-A-G.
Other names: c.877A>G, p.Thr293Ala (NM_003320.5); short protein forms T238A, T293A.
Identifiers: ClinVar variation 1498504 (VCV001498504.6), dbSNP rs2133877058, ClinGen allele CA379568463.
Genomic context (GRCh38, chr11:8,097,252, plus strand): 5'-CCTTGGGGCTCAGGCACCTATTCTGCATCCCCATAGGAGGCAGCCTCAGCCCCTAGCCCA[A>G]CAGCTCCAGAGCAACCAGTGGACGTTGAGGTCCAGGATCTTGAGGAGTTTGCACTGAGGC-3'
Protein context (NP_813977.1, residues 228-248): VREAASAPSP[Thr238Ala]APEQPVDVEV